The following is an entry in ClinVar:

NM_003937.3(KYNU):c.902+1G>A

Gene: KYNU (kynureninase; plus strand). Cytogenetic location: 2q22.2.
Variant type: single nucleotide variant.
Coding change: c.902+1G>A on transcript NM_003937.3 (MANE Select); the canonical splice donor site of the intron after coding-DNA position 902, G replaced by A.
Molecular consequence: splice donor variant.
Genome position (GRCh38, 1-based): chr2:142,986,022, G>A. VCF-style: chr2-142986022-G-A. GRCh37 (hg19) VCF-style: chr2-143743591-G-A.
Other names: NC_000002.11:g.143743591G>A; c.902+1G>A (NM_001199241.2, NM_001032998.2).
Identifiers: ClinVar variation 1333644 (VCV001333644.6), dbSNP rs754953201, ClinGen allele CA1896882.

ClinVar aggregate classification (germline): Pathogenic/Likely pathogenic. Review status: criteria provided, multiple submitters, no conflicts (2 of 4 stars). 4 submissions from 4 submitters: Pathogenic (1); Likely pathogenic (3). Last evaluated 2026-08-18.

Conditions:
Vertebral, cardiac, renal, and limb defects syndrome 2. Also called: KYNURENINASE DEFICIENCY, COMPLETE; CONGENITAL NAD DEFICIENCY DISORDER 2. Identifiers: MedGen C4540014, MONDO:0060555, OMIM 617661.
Hydroxykynureninuria. Also called: Xanthurenic aciduria; Kynureninase deficiency; Encephalopathy due to hydroxykynureninuria. Identifiers: Orphanet 79155, MedGen C0268474, MONDO:0009372, OMIM 236800.

Allele frequency attached by ClinVar (database versions not stated): gnomAD 0.00007 and 0.00008; ExAC 0.00008.
gnomAD v4.1: 47 of 1,603,798 alleles (0.0029%); highest among the groups gnomAD compares: African/African-American, 0.0094%; no homozygotes.

Submissions (5):

Institute of Medical Genetics and Applied Genomics, University Hospital Tübingen
Classification: Pathogenic for Vertebral, cardiac, renal, and limb defects syndrome 2. Last evaluated: 2026-08-18. Review status: criteria provided, single submitter. Criteria: ACMG Guidelines, 2015. Collection method: clinical testing. Allele origin: germline. Inheritance: Autosomal recessive inheritance. Affected: yes.
Comment: in trans with c.1073G>A

Department of Pathology and Laboratory Medicine, Sinai Health System
Classification: Likely pathogenic for Vertebral, cardiac, renal, and limb defects syndrome 2. Last evaluated: 2023-09-08. Review status: criteria provided, single submitter. Criteria: ACMG Guidelines, 2015. Collection method: research. Allele origin: germline.

3billion
Classification: Likely pathogenic for Vertebral, cardiac, renal, and limb defects syndrome 2. Last evaluated: 2022-01-03. Review status: criteria provided, single submitter. Criteria: ACMG Guidelines, 2015. Collection method: clinical testing. Allele origin: germline. Affected: yes. Observed: 1 heterozygote.
Comment: Canonical splice site: predicted to alter splicing and result in a loss or disruption of normal protein function through protein truncation. Multiple pathogenic variants are reported in the predicted truncated region (PVS1_VS). It is observed at an extremely low frequency in the gnomAD v2.1.1 dataset (total allele frequency: 0.000053, PM2_M). Therefore, this variant is classified as likely pathogenic according to the recommendation of ACMG/AMP guideline.

Juno Genomics, Hangzhou Juno Genomics, Inc
Classification: Likely pathogenic for Vertebral, cardiac, renal, and limb defects syndrome 2; Hydroxykynureninuria. Review status: criteria provided, single submitter. Criteria: ACMG Guidelines, 2015. Collection method: clinical testing. Allele origin: germline.
Comment: Null variant in a gene where loss of function (LOF) is a known mechanism of disease.;Absent from controls (or at extremely low frequency if recessive) in Genome Aggregation Database.

Dr. Peter K. Rogan Lab, Western University
No classification provided (evidence only). Condition: Clear cell carcinoma of kidney. Review status: no classification provided. Collection method: in vitro. Allele origin: not applicable. Functional consequence: skipped exon. Not counted in ClinVar's aggregate classification.